The following is an entry in ClinVar:

ClinVar aggregate classification (germline): Likely benign (1 of 4 stars; one submission).

Allele frequency attached by ClinVar (database versions not stated): gnomAD exomes 0.00001; TOPMed 0.00002; gnomAD 0.00006.
gnomAD v4.1: 48 of 1,444,310 alleles (0.0033%); highest among the groups gnomAD compares: African/African-American, 0.038%; 4 homozygotes.

Submission:

CeGaT Center for Human Genetics Tuebingen
Classification: Likely benign. Last evaluated: 2022-09-01. Review status: criteria provided, single submitter. Criteria: CeGaT Center For Human Genetics Tuebingen Variant Classification Criteria Version 2. Collection method: clinical testing. Allele origin: germline. Affected: yes. Observed: 1 variant allele.
Comment: IGDCC4: BP4, BP7

NM_020962.3(IGDCC4):c.1404G>A (p.Lys468=)

Gene: IGDCC4 (immunoglobulin superfamily DCC subclass member 4; minus strand). Cytogenetic location: 15q22.31.
Variant type: single nucleotide variant.
Coding change: c.1404G>A on transcript NM_020962.3 (MANE Select); coding-DNA position 1404, G replaced by A.
Protein change: p.Lys468=; no amino-acid change (lysine 468 retained).
Molecular consequence: synonymous variant.
Genome position (GRCh38, 1-based): chr15:65,395,757, C>T on the plus strand (G>A on the coding strand, the complement: IGDCC4 is on the minus strand). VCF-style: chr15-65395757-C-T. GRCh37 (hg19) VCF-style: chr15-65688095-C-T.
Identifiers: ClinVar variation 2645462 (VCV002645462.24), dbSNP rs112710889, ClinGen allele CA271552173.